The following is an entry in ClinVar:

ClinVar aggregate classification (germline): Uncertain significance (1 of 4 stars; one submission).

gnomAD v4.1: 6 of 1,613,578 alleles (0.00037%); highest among the groups gnomAD compares: Admixed American, 0.0017%; no homozygotes.

Submission:

Athena Diagnostics
Classification: Uncertain significance. Last evaluated: 2024-01-10. Review status: criteria provided, single submitter. Criteria: Athena Diagnostics Criteria. Collection method: clinical testing. Allele origin: unknown.
Comment: Available data are insufficient to determine the clinical significance of the variant at this time. The frequency of this variant in the general population is uninformative in assessment of its pathogenicity. Computational tools predict that this variant is not damaging.

NM_001278064.2(GRM1):c.1465G>A (p.Ala489Thr)

Gene: GRM1 (glutamate metabotropic receptor 1; plus strand). Cytogenetic location: 6q24.3.
Variant type: single nucleotide variant.
Coding change: c.1465G>A on transcript NM_001278064.2 (MANE Select); coding-DNA position 1465, G replaced by A.
Protein change: p.Ala489Thr; replaces alanine 489 with threonine.
Molecular consequence: missense variant.
Genome position (GRCh38, 1-based): chr6:146,357,557, G>A. VCF-style: chr6-146357557-G-A. GRCh37 (hg19) VCF-style: chr6-146678693-G-A.
Other names: c.1465G>A, p.Ala489Thr (NM_001278065.2, NM_001278066.1, NM_001278067.1); short protein forms A489T.
Identifiers: ClinVar variation 3571923 (VCV003571923.1).